The following is an entry in ClinVar:

ClinVar aggregate classification (germline): Uncertain significance (1 of 4 stars; one submission).

Conditions:
Inborn genetic diseases. Identifiers: MedGen C0950123, MeSH D030342.

Submission:

Ambry Genetics
Classification: Uncertain significance for Inborn genetic diseases. Last evaluated: 2024-01-05. Review status: criteria provided, single submitter. Criteria: Ambry Variant Classification Scheme 2023. Collection method: clinical testing. Allele origin: germline.
Comment: The p.F699L variant (also known as c.2095T>C), located in coding exon 18 of the LRRK2 gene, results from a T to C substitution at nucleotide position 2095. The phenylalanine at codon 699 is replaced by leucine, an amino acid with highly similar properties. This amino acid position is conserved. In addition, the in silico prediction for this alteration is inconclusive. Since supporting evidence is limited at this time, the clinical significance of this alteration remains unclear.

NM_198578.4(LRRK2):c.2095T>C (p.Phe699Leu)

Gene: LRRK2 (leucine rich repeat kinase 2; plus strand). Cytogenetic location: 12q12.
Variant type: single nucleotide variant.
Coding change: c.2095T>C on transcript NM_198578.4 (MANE Select); coding-DNA position 2095, T replaced by C.
Protein change: p.Phe699Leu; replaces phenylalanine 699 with leucine.
Molecular consequence: missense variant.
Genome position (GRCh38, 1-based): chr12:40,278,115, T>C. VCF-style: chr12-40278115-T-C. GRCh37 (hg19) VCF-style: chr12-40671917-T-C.
Other names: short protein forms F699L.
Identifiers: ClinVar variation 1785791 (VCV001785791.2), dbSNP rs2499638617, ClinGen allele CA384404994.